The following is an entry in ClinVar:

ClinVar aggregate classification (germline): Uncertain significance (1 of 4 stars; one submission).

gnomAD v4.1: 48 of 1,613,946 alleles (0.003%); highest among the groups gnomAD compares: Admixed American, 0.0083%; no homozygotes.

Submission:

Labcorp Genetics (formerly Invitae), Labcorp
Classification: Uncertain significance. Last evaluated: 2022-06-29. Review status: criteria provided, single submitter. Criteria: Invitae Variant Classification Sherloc (09022015). Collection method: clinical testing. Allele origin: germline.
Comment: This sequence change affects codon 358 of the C8B mRNA. It is a 'silent' change, meaning that it does not change the encoded amino acid sequence of the C8B protein. This variant is present in population databases (rs149848224, gnomAD 0.01%). This variant has not been reported in the literature in individuals affected with C8B-related conditions. Algorithms developed to predict the effect of sequence changes on RNA splicing suggest that this variant may disrupt the consensus splice site. In summary, the available evidence is currently insufficient to determine the role of this variant in disease. Therefore, it has been classified as a Variant of Uncertain Significance.

NM_000066.4(C8B):c.1074C>A (p.Leu358=)

Gene: C8B (complement C8 beta chain; minus strand). Cytogenetic location: 1p32.2.
Variant type: single nucleotide variant.
Coding change: c.1074C>A on transcript NM_000066.4 (MANE Select); coding-DNA position 1074, C replaced by A.
Protein change: p.Leu358=; no amino-acid change (leucine 358 retained).
Molecular consequence: synonymous variant.
Genome position (GRCh38, 1-based): chr1:56,945,852, G>T on the plus strand (C>A on the coding strand, the complement: C8B is on the minus strand). VCF-style: chr1-56945852-G-T. GRCh37 (hg19) VCF-style: chr1-57411525-G-T.
Other names: c.918C>A, p.Leu306= (NM_001278543.2); c.888C>A, p.Leu296= (NM_001278544.2).
Identifiers: ClinVar variation 1462279 (VCV001462279.3), dbSNP rs149848224, ClinGen allele CA875766.